The following is an entry in ClinVar:

ClinVar aggregate classification (germline): Likely benign. Review status: criteria provided, multiple submitters, no conflicts (2 of 4 stars). 2 submissions from 2 submitters: Likely benign (2). Last evaluated 2025-05-14.

Conditions:
Gorlin syndrome. Also called: Nevoid Basal Cell Carcinoma Syndrome; Basal cell nevus syndrome. Identifiers: Orphanet 377, MedGen C0004779, MONDO:0007187.
PTCH2-related disorder. Also called: PTCH2-related condition; PTCH2-related disease.

Allele frequency attached by ClinVar (database versions not stated): gnomAD exomes 0.00008; 1000 Genomes Project 30x 0.00016; ESP Exome Variant Server 0.00023; gnomAD 0.00031; TOPMed 0.00040.
gnomAD v4.1: 175 of 1,614,100 alleles (0.011%); highest among the groups gnomAD compares: African/African-American, 0.092%; 1 homozygote.

Submissions (2):

Labcorp Genetics (formerly Invitae), Labcorp
Classification: Likely benign for Gorlin syndrome. Last evaluated: 2025-05-14. Review status: criteria provided, single submitter. Criteria: Invitae Variant Classification Sherloc (09022015). Collection method: clinical testing. Allele origin: germline.

PreventionGenetics, part of Exact Sciences
Classification: Likely benign for PTCH2-related condition. Last evaluated: 2025-04-11. Review status: criteria provided, single submitter. Criteria: ACMG Guidelines, 2015. Collection method: clinical testing. Allele origin: germline.
Comment: This variant is classified as likely benign based on ACMG/AMP sequence variant interpretation guidelines (Richards et al. 2015 PMID: 25741868, with internal and published modifications).

NM_003738.5(PTCH2):c.1591-10C>T

Gene: PTCH2 (patched 2; minus strand). Cytogenetic location: 1p34.1.
Variant type: single nucleotide variant.
Coding change: c.1591-10C>T on transcript NM_003738.5 (MANE Select); 10 bases into the intron before coding-DNA position 1591, C replaced by T.
Molecular consequence: intron variant.
Genome position (GRCh38, 1-based): chr1:44,828,424, G>A on the plus strand (C>T on the coding strand, the complement: PTCH2 is on the minus strand). VCF-style: chr1-44828424-G-A. GRCh37 (hg19) VCF-style: chr1-45294096-G-A.
Other names: c.1591-10C>T (NM_001166292.2).
Identifiers: ClinVar variation 453926 (VCV000453926.13), dbSNP rs112892676, ClinGen allele CA823240.